The following is an entry in ClinVar:

NM_003072.5(SMARCA4):c.867G>T (p.Met289Ile)

Gene: SMARCA4 (SWI/SNF related BAF chromatin remodeling complex subunit ATPase 4; plus strand). Cytogenetic location: 19p13.2.
Variant type: single nucleotide variant.
Coding change: c.867G>T on transcript NM_003072.5 (MANE Select); coding-DNA position 867, G replaced by T.
Protein change: p.Met289Ile; replaces methionine 289 with isoleucine.
Molecular consequence: missense variant. On other transcripts: non-coding transcript variant (1).
Genome position (GRCh38, 1-based): chr19:10,987,673, G>T. VCF-style: chr19-10987673-G-T. GRCh37 (hg19) VCF-style: chr19-11098349-G-T.
Other names: c.867G>T, p.Met289Ile (NM_001128844.3, NM_001128845.2, NM_001128846.2 and 5 more transcripts); short protein forms M289I.
Identifiers: ClinVar variation 659994 (VCV000659994.8), dbSNP rs1338574365, ClinGen allele CA404058304.

ClinVar aggregate classification (germline): Uncertain significance (1 of 4 stars; one submission).

Conditions:
Rhabdoid tumor predisposition syndrome 2 (RTPS2). Identifiers: Orphanet 231108, Orphanet 69077, MedGen C2750074, MONDO:0013224, OMIM 613325.

Submission:

Labcorp Genetics (formerly Invitae), Labcorp
Classification: Uncertain significance for Rhabdoid tumor predisposition syndrome 2. Last evaluated: 2021-11-17. Review status: criteria provided, single submitter. Criteria: Invitae Variant Classification Sherloc (09022015). Collection method: clinical testing. Allele origin: germline.
Comment: This sequence change replaces methionine, which is neutral and non-polar, with isoleucine, which is neutral and non-polar, at codon 289 of the SMARCA4 protein (p.Met289Ile). In summary, the available evidence is currently insufficient to determine the role of this variant in disease. Therefore, it has been classified as a Variant of Uncertain Significance. Algorithms developed to predict the effect of missense changes on protein structure and function are either unavailable or do not agree on the potential impact of this missense change (SIFT: "Deleterious"; PolyPhen-2: "Benign"; Align-GVGD: "Class C0"). ClinVar contains an entry for this variant (Variation ID: 659994). This variant has not been reported in the literature in individuals affected with SMARCA4-related conditions. This variant is not present in population databases (gnomAD no frequency).